The following is an entry in ClinVar:

NM_000059.4(BRCA2):c.1570A>G (p.Met524Val)

Gene: BRCA2 (BRCA2 DNA repair associated; plus strand). Cytogenetic location: 13q13.1.
Variant type: single nucleotide variant.
Coding change: c.1570A>G on transcript NM_000059.4 (MANE Select); coding-DNA position 1570, A replaced by G.
Protein change: p.Met524Val; replaces methionine 524 with valine.
Molecular consequence: missense variant.
Genome position (GRCh38, 1-based): chr13:32,333,048, A>G. VCF-style: chr13-32333048-A-G. GRCh37 (hg19) VCF-style: chr13-32907185-A-G.
Other names: short protein forms M524V.
Identifiers: ClinVar variation 628150 (VCV000628150.11), dbSNP rs1566223875, ClinGen allele CA387764728.

ClinVar aggregate classification (germline): Conflicting classifications of pathogenicity. Review status: criteria provided, conflicting classifications (1 of 4 stars). 4 submissions from 4 submitters: Uncertain significance (2); Likely benign (2). Last evaluated 2025-04-11.

Conditions:
Hereditary cancer-predisposing syndrome. Also called: Neoplastic Syndromes, Hereditary; Tumor predisposition; Hereditary neoplastic syndrome; Hereditary Cancer Syndrome. Identifiers: Orphanet 140162, MedGen C0027672, MeSH D009386, MONDO:0015356.
Hereditary breast ovarian cancer syndrome. Also called: Hereditary breast and ovarian cancer syndrome; Hereditary breast and ovarian cancer; Hereditary breast and ovarian cancer syndrome (HBOC); Breast and ovarian cancer; Hereditary breast and/or ovarian cancer syndrome; BRCA1- and BRCA2-Associated Hereditary Breast and Ovarian Cancer. Identifiers: Orphanet 145, MedGen C0677776, MeSH D061325, MONDO:0003582. Disease mechanism: loss of function.

Submissions (4):

ARUP Laboratories, Molecular Genetics and Genomics, ARUP Laboratories
Classification: Likely benign. Last evaluated: 2025-04-11. Review status: criteria provided, single submitter. Criteria: ARUP Molecular Germline Variant Investigation Process 2024. Collection method: clinical testing. Allele origin: germline.

Labcorp Genetics (formerly Invitae), Labcorp
Classification: Uncertain significance for Hereditary breast ovarian cancer syndrome. Last evaluated: 2023-07-06. Review status: criteria provided, single submitter. Criteria: Invitae Variant Classification Sherloc (09022015). Collection method: clinical testing. Allele origin: germline.
Comment: This variant is not present in population databases (gnomAD no frequency). In summary, the available evidence is currently insufficient to determine the role of this variant in disease. Therefore, it has been classified as a Variant of Uncertain Significance. Advanced modeling of protein sequence and biophysical properties (such as structural, functional, and spatial information, amino acid conservation, physicochemical variation, residue mobility, and thermodynamic stability) performed at Invitae indicates that this missense variant is not expected to disrupt BRCA2 protein function. ClinVar contains an entry for this variant (Variation ID: 628150). This variant has not been reported in the literature in individuals affected with BRCA2-related conditions. This sequence change replaces methionine, which is neutral and non-polar, with valine, which is neutral and non-polar, at codon 524 of the BRCA2 protein (p.Met524Val).

University of Washington Department of Laboratory Medicine, University of Washington
Classification: Likely benign for Hereditary cancer-predisposing syndrome. Last evaluated: 2023-03-23. Review status: criteria provided, single submitter. Criteria: Dines et al. (Genet Med. 2020). Collection method: curation. Allele origin: germline.
Comment: Missense variant in a coldspot region where missense variants are very unlikely to be pathogenic (PMID:31911673).

BRCA2 exon 10 coldspot. Reclassification based on statistical prior probability.

Color Diagnostics, LLC DBA Color Health
Classification: Uncertain significance for Hereditary cancer-predisposing syndrome. Last evaluated: 2022-03-02. Review status: criteria provided, single submitter. Criteria: ACMG Guidelines, 2015. Collection method: clinical testing. Allele origin: germline.
Comment: This missense variant replaces methionine with valine at codon 524 of the BRCA2 protein. Computational prediction suggests that this variant may not impact protein structure and function (internally defined REVEL score threshold <= 0.5, PMID: 27666373). To our knowledge, functional studies have not been reported for this variant. This variant has not been reported in individuals affected with hereditary cancer in the literature. This variant has not been identified in the general population by the Genome Aggregation Database (gnomAD). The available evidence is insufficient to determine the role of this variant in disease conclusively. Therefore, this variant is classified as a Variant of Uncertain Significance.